The following is an entry in ClinVar:

NM_001242882.2(NAXD):c.591C>G (p.Asp197Glu)

Gene: NAXD (NAD(P)HX dehydratase; plus strand). Cytogenetic location: 13q34.
Variant type: single nucleotide variant.
Coding change: c.591C>G on transcript NM_001242882.2 (MANE Select); coding-DNA position 591, C replaced by G.
Protein change: p.Asp197Glu; replaces aspartic acid 197 with glutamic acid.
Molecular consequence: missense variant. On other transcripts: non-coding transcript variant (2).
Genome position (GRCh38, 1-based): chr13:110,634,770, C>G. VCF-style: chr13-110634770-C-G. GRCh37 (hg19) VCF-style: chr13-111287117-C-G.
Other names: c.645C>G, p.Asp215Glu (NM_001242881.2, NM_018210.4); c.315C>G, p.Asp105Glu (NM_001242883.2); c.645C>G (NM_018210.3); short protein forms D105E, D197E, D215E.
Identifiers: ClinVar variation 1878595 (VCV001878595.6), dbSNP rs559466039, ClinGen allele CA7051272.

ClinVar aggregate classification (germline): Conflicting classifications of pathogenicity. Review status: criteria provided, conflicting classifications (1 of 4 stars). 4 submissions from 4 submitters: Uncertain significance (1); Likely benign (3). Last evaluated 2026-07-23.

Conditions:
NAD(P)HX dehydratase deficiency. Also called: Encephalopathy, progressive, early-onset, with brain edema and/or leukoencephalopathy, 2. Identifiers: Orphanet 555402, MedGen C5193026, MONDO:0034121, OMIM 618321.
Inborn genetic diseases. Identifiers: MedGen C0950123, MeSH D030342.
NAXD-related disorder. Also called: NAXD-related condition.

Allele frequency attached by ClinVar (database versions not stated): 1000 Genomes Project 30x 0.00047; 1000 Genomes Project 0.00060.
gnomAD v4.1: 344 of 1,612,204 alleles (0.021%); highest among the groups gnomAD compares: South Asian, 0.36%; 2 homozygotes.

Submissions (4):

PreventionGenetics, part of Exact Sciences
Classification: Likely benign for NAXD-related condition. Last evaluated: 2026-07-23. Review status: criteria provided, single submitter. Criteria: ACMG Guidelines, 2015. Collection method: clinical testing. Allele origin: germline.
Comment: This variant is classified as likely benign based on ACMG/AMP sequence variant interpretation guidelines (Richards et al. 2015 PMID: 25741868, with internal and published modifications).

Labcorp Genetics (formerly Invitae), Labcorp
Classification: Likely benign. Last evaluated: 2025-10-27. Review status: criteria provided, single submitter. Criteria: Invitae Variant Classification Sherloc (09022015). Collection method: clinical testing. Allele origin: germline.

Ambry Genetics
Classification: Likely benign for Inborn genetic diseases. Last evaluated: 2024-08-01. Review status: criteria provided, single submitter. Criteria: Ambry Variant Classification Scheme 2023. Collection method: clinical testing. Allele origin: germline.

Neuberg Centre For Genomic Medicine, NCGM
Classification: Uncertain significance for NAD(P)HX dehydratase deficiency. Review status: criteria provided, single submitter. Criteria: ACMG Guidelines, 2015. Collection method: clinical testing. Allele origin: germline. Affected: yes.
Comment: The missense variant c.645C>G (p.Asp215Glu) in NAXD gene has not been reported previously as a pathogenic variant nor as a benign variant, to our knowledge. The p.Asp215Glu variant is novel (not in any individuals) in 1000 Genomes and allele frequency of 0.03621% is reported in gnomAD. The amino acid Asp at position 215 is changed to a Glu changing protein sequence and it might alter its composition and physico-chemical properties. In silico tools predict the variant to be tolerated. The residue is variable across species. The amino acid change p.Asp215Glu in NAXD is predicted as conserved by PhyloP across 100 vertebrates. For these reasons, this variant has been classified as Uncertain Significance .